The following is an entry in ClinVar:

ClinVar aggregate classification (germline): Benign/Likely benign. Review status: criteria provided, multiple submitters, no conflicts (2 of 4 stars). 8 submissions from 8 submitters: Benign (1); Likely benign (3). 4 of the submissions do not count toward it. Last evaluated 2025-01-28.

Conditions:
Immunodeficiency 33 (IMD33). Also called: X-linked mendelian susceptibility to mycobacterial diseases due to IKBKG deficiency; Immunodeficiency without anhidrotic ectodermal dysplasia. Identifiers: Orphanet 319605, Orphanet 319612, MedGen C1970879, MONDO:0010386, OMIM 300636.
Ectodermal dysplasia and immunodeficiency 1 (EDAID1). Also called: ECTODERMAL DYSPLASIA AND IMMUNE DEFICIENCY 1; Hyper-IgM immunodeficiency, X-linked, with hypohidrotic ectodermal dysplasia; ECTODERMAL DYSPLASIA, ANHIDROTIC, WITH IMMUNE DEFICIENCY. Identifiers: Orphanet 238468, Orphanet 98813, MedGen C1846008, MONDO:0020740, OMIM 300291.

Allele frequency attached by ClinVar (database versions not stated): gnomAD exomes 0.00957 and 0.00851; gnomAD 0.00715; 1000 Genomes Project 30x 0.00937.

Submissions (8):

Mayo Clinic Laboratories, Mayo Clinic
Classification: Likely benign. Last evaluated: 2025-01-28. Review status: criteria provided, single submitter. Criteria: ACMG Guidelines, 2015. Collection method: clinical testing. Allele origin: germline. Observed: 23 variant alleles.
Comment: BS3, BP4

ARUP Laboratories, Molecular Genetics and Genomics, ARUP Laboratories
Classification: Likely benign. Last evaluated: 2021-06-25. Review status: criteria provided, single submitter. Criteria: ARUP Molecular Germline Variant Investigation Process 2021. Collection method: clinical testing. Allele origin: germline.

Victorian Clinical Genetics Services, Murdoch Childrens Research Institute
Classification: Likely benign for Ectodermal dysplasia and immunodeficiency 1. Last evaluated: 2021-05-06. Review status: criteria provided, single submitter. Criteria: ACMG Guidelines, 2015. Collection method: clinical testing. Allele origin: germline. Inheritance: X-linked recessive inheritance.
Comment: Based on the classification scheme VCGS_Germline_v1.3.4, this variant is classified as Likely benign. Following criteria are met: 0109 - This gene is associated with X-linked recessive disease. (I) 0200 - Variant is predicted to result in a missense amino acid change from aspartic acid to asparagine. (I) 0308 - Population frequency for this variant is out of keeping with known incidence of Immunodeficiency 3 (MIM#3300636) and ectodermal dysplasia and immunodeficiency 1 (MIM#300291). (SB) 0504 - Same amino acid change has been observed in placental mammals. (SB) 0808 - Previous reports of pathogenicity for this variant are conflicting. This variant has previously been reported as likely benign and as a variant of uncertain significance (ClinVar). However, it has more recently been suggested to be non disease-causing due to population frequency (PMID: 33224153; 30422821). (SB) Legend: (SP) - Supporting pathogenic, (I) - Information, (SB) - Supporting benign

GeneDx
Classification: Benign. Last evaluated: 2020-03-10. Review status: criteria provided, single submitter. Criteria: GeneDx Variant Classification Process June 2021. Collection method: clinical testing. Allele origin: germline. Affected: yes.
Comment: Published functional studies demonstrate no damaging effect (Fusco et al., 2004; Frans et al., 2017); In silico analysis supports that this missense variant does not alter protein structure/function; This variant is associated with the following publications: (PMID: 19903677, 26795245, 28679735, 18350553, 15229184, 22566850, 18179816, 28993958, 25068423, 20529958, 31965418)

OMIM
Classification: Pathogenic for IMMUNODEFICIENCY 33. Last evaluated: 2004-08-15. Review status: no assertion criteria provided. Collection method: literature only. Allele origin: germline. Not counted in ClinVar's aggregate classification.

Diagnostic Laboratory, Department of Genetics, University Medical Center Groningen
Classification: Likely benign. Review status: no assertion criteria provided. Collection method: clinical testing. Allele origin: germline. Affected: yes. Study: VKGL Data-share Consensus. Not counted in ClinVar's aggregate classification.

Genome Diagnostics Laboratory, University Medical Center Utrecht
Classification: Likely benign. Review status: no assertion criteria provided. Collection method: clinical testing. Allele origin: germline. Affected: yes. Study: VKGL Data-share Consensus. Not counted in ClinVar's aggregate classification.

UniProtKB/Swiss-Prot
No classification provided. Review status: no classification provided. Collection method: not provided. Allele origin: not provided. Not counted in ClinVar's aggregate classification.

Literature cited by the submitters: PubMed 28993958 (cited by Victorian Clinical Genetics Services, Murdoch Childrens Research Institute); PubMed 30422821 (cited by Victorian Clinical Genetics Services, Murdoch Childrens Research Institute); PubMed 31965418 (cited by Victorian Clinical Genetics Services, Murdoch Childrens Research Institute and OMIM); PubMed 33224153 (cited by Victorian Clinical Genetics Services, Murdoch Childrens Research Institute); PubMed 25068423 (cited by OMIM); PubMed 18179816 (cited by OMIM); PubMed 15229184 (cited by OMIM).

NM_001099857.5(IKBKG):c.337G>A (p.Asp113Asn)

Gene: IKBKG (inhibitor of nuclear factor kappa B kinase regulatory subunit gamma; plus strand). Cytogenetic location: Xq28.
Variant type: single nucleotide variant.
Coding change: c.337G>A on transcript NM_001099857.5 (MANE Select); coding-DNA position 337, G replaced by A.
Protein change: p.Asp113Asn; replaces aspartic acid 113 with asparagine.
Molecular consequence: missense variant. On other transcripts: non-coding transcript variant (1).
Genome position (GRCh38, 1-based): chrX:154,556,314, G>A. VCF-style: chrX-154556314-G-A. GRCh37 (hg19) VCF-style: chrX-153784529-G-A.
Other names: c.337G>A (NM_001099857.3, NM_001099857.2); c.541G>A, p.Asp181Asn (NM_001099856.6); c.337G>A, p.Asp113Asn (NM_001145255.4, NM_001321396.3, NM_001321397.3 and 5 more transcripts); short protein forms D113N, D181N.
Identifiers: ClinVar variation 68235 (VCV000068235.19), dbSNP rs179363896, ClinGen allele CA219225.